The following is an entry in ClinVar:

ClinVar aggregate classification (germline): Uncertain significance. Review status: criteria provided, multiple submitters, no conflicts (2 of 4 stars). 3 submissions from 3 submitters: Uncertain significance (2). 1 of the submissions does not count toward it. Last evaluated 2025-11-22.

Conditions:
BCKDHA-related disorder. Also called: BCKDHA-related condition.
Maple syrup urine disease (MSUD). Identifiers: Orphanet 511, MedGen C0024776, MeSH D008375, MONDO:0009563. Disease mechanism: loss of function.
Maple syrup urine disease type 1A (MSUD1A). Also called: MSUD type 1A. Identifiers: MedGen C1855369, MONDO:0023691, OMIM 248600.

Allele frequency attached by ClinVar (database versions not stated): gnomAD exomes below 0.00001 and 0.00002; gnomAD 0.00001; TOPMed 0.00001; ExAC 0.00002; ESP Exome Variant Server 0.00008.
gnomAD v4.1: 8 of 1,614,040 alleles (0.0005%); highest among the groups gnomAD compares: Admixed American, 0.0017%; no homozygotes.

Submissions (3):

PreventionGenetics, part of Exact Sciences
Classification: Uncertain significance for BCKDHA-related condition. Last evaluated: 2025-11-22. Review status: criteria provided, single submitter. Criteria: ACMG Guidelines, 2015. Collection method: clinical testing. Allele origin: germline.
Comment: The BCKDHA c.919T>C variant is predicted to result in the amino acid substitution p.Tyr307His. To our knowledge, this variant has not been reported in the literature. This variant is reported in 0.0033% of alleles in individuals of South Asian descent in gnomAD. At this time, the clinical significance of this variant is uncertain due to the absence of conclusive functional and genetic evidence.

Labcorp Genetics (formerly Invitae), Labcorp
Classification: Uncertain significance for Maple syrup urine disease. Last evaluated: 2021-08-26. Review status: criteria provided, single submitter. Criteria: Invitae Variant Classification Sherloc (09022015). Collection method: clinical testing. Allele origin: germline.
Comment: This sequence change replaces tyrosine with histidine at codon 307 of the BCKDHA protein (p.Tyr307His). The tyrosine residue is highly conserved and there is a moderate physicochemical difference between tyrosine and histidine. This variant is present in population databases (rs138261404, ExAC 0.003%). This variant has not been reported in the literature in individuals affected with BCKDHA-related conditions. Algorithms developed to predict the effect of missense changes on protein structure and function (SIFT, PolyPhen-2, Align-GVGD) all suggest that this variant is likely to be disruptive. In summary, the available evidence is currently insufficient to determine the role of this variant in disease. Therefore, it has been classified as a Variant of Uncertain Significance.

Natera, Inc.
Classification: Uncertain significance for Maple syrup urine disease type 1A. Last evaluated: 2020-03-11. Review status: no assertion criteria provided. Collection method: clinical testing. Allele origin: germline. Not counted in ClinVar's aggregate classification.

NM_000709.4(BCKDHA):c.919T>C (p.Tyr307His)

Gene: BCKDHA (branched chain keto acid dehydrogenase E1 subunit alpha; plus strand). Cytogenetic location: 19q13.2.
Variant type: single nucleotide variant.
Coding change: c.919T>C on transcript NM_000709.4 (MANE Select); coding-DNA position 919, T replaced by C.
Protein change: p.Tyr307His; replaces tyrosine 307 with histidine.
Molecular consequence: missense variant.
Genome position (GRCh38, 1-based): chr19:41,422,694, T>C. VCF-style: chr19-41422694-T-C. GRCh37 (hg19) VCF-style: chr19-41928599-T-C.
Other names: c.916T>C, p.Tyr306His (NM_001164783.2); short protein forms Y306H, Y307H.
Identifiers: ClinVar variation 950733 (VCV000950733.9), dbSNP rs138261404, ClinGen allele CA9461298.